The following is an entry in ClinVar:

NM_000180.4(GUCY2D):c.1480A>G (p.Met494Val)

Gene: GUCY2D (guanylate cyclase 2D, retinal; plus strand). Cytogenetic location: 17p13.1.
Variant type: single nucleotide variant.
Coding change: c.1480A>G on transcript NM_000180.4 (MANE Select); coding-DNA position 1480, A replaced by G.
Protein change: p.Met494Val; replaces methionine 494 with valine.
Molecular consequence: missense variant.
Genome position (GRCh38, 1-based): chr17:8,007,442, A>G. VCF-style: chr17-8007442-A-G. GRCh37 (hg19) VCF-style: chr17-7910760-A-G.
Other names: short protein forms M494V.
Identifiers: ClinVar variation 1901902 (VCV001901902.3), dbSNP rs749999803, ClinGen allele CA8365774.

ClinVar aggregate classification (germline): Uncertain significance (1 of 4 stars; one submission).

Conditions:
Cone-rod dystrophy 6 (CORD6). Also called: Cone dystrophy progressive; RETINAL CONE DYSTROPHY 2. Identifiers: Orphanet 1872, MedGen C1866293, MONDO:0011143, OMIM 601777.
Leber congenital amaurosis 1 (LCA1). Also called: AMAUROSIS CONGENITA OF LEBER I; RETINAL BLINDNESS, CONGENITAL; Congenital absence of the rods and cones; Leber's congenital tapetoretinal degeneration; Leber's congenital tapetoretinal dysplasia. Identifiers: Orphanet 65, MedGen C2931258, MONDO:0008764, OMIM 204000.

Allele frequency attached by ClinVar (database versions not stated): ExAC 0.00001; gnomAD 0.00001; gnomAD exomes 0.00001; TOPMed 0.00001.
gnomAD v4.1: 10 of 1,612,688 alleles (0.00062%); highest among the groups gnomAD compares: East Asian, 0.0045%; no homozygotes.

Submission:

Labcorp Genetics (formerly Invitae), Labcorp
Classification: Uncertain significance for Leber congenital amaurosis 1; Cone-rod dystrophy 6. Last evaluated: 2023-11-27. Review status: criteria provided, single submitter. Criteria: Invitae Variant Classification Sherloc (09022015). Collection method: clinical testing. Allele origin: germline.
Comment: This sequence change replaces methionine, which is neutral and non-polar, with valine, which is neutral and non-polar, at codon 494 of the GUCY2D protein (p.Met494Val). This variant is present in population databases (rs749999803, gnomAD 0.01%). This variant has not been reported in the literature in individuals affected with GUCY2D-related conditions. ClinVar contains an entry for this variant (Variation ID: 1901902). Advanced modeling of protein sequence and biophysical properties (such as structural, functional, and spatial information, amino acid conservation, physicochemical variation, residue mobility, and thermodynamic stability) performed at Invitae indicates that this missense variant is not expected to disrupt GUCY2D protein function with a negative predictive value of 80%. In summary, the available evidence is currently insufficient to determine the role of this variant in disease. Therefore, it has been classified as a Variant of Uncertain Significance.